The following is an entry in ClinVar:

NM_020921.4(NIN):c.5912C>T (p.Pro1971Leu)

Gene: NIN (ninein; minus strand). Cytogenetic location: 14q22.1.
Variant type: single nucleotide variant.
Coding change: c.5912C>T on transcript NM_020921.4 (MANE Select); coding-DNA position 5912, C replaced by T.
Protein change: p.Pro1971Leu; replaces proline 1971 with leucine.
Molecular consequence: missense variant.
Genome position (GRCh38, 1-based): chr14:50,729,689, G>A on the plus strand (C>T on the coding strand, the complement: NIN is on the minus strand). VCF-style: chr14-50729689-G-A. GRCh37 (hg19) VCF-style: chr14-51196407-G-A.
Other names: c.3773C>T, p.Pro1258Leu (NM_016350.5); c.5912C>T, p.Pro1971Leu (NM_182944.3, NM_182946.2); short protein forms P1971L, P1258L.
Identifiers: ClinVar variation 2083963 (VCV002083963.4), dbSNP rs200441923, ClinGen allele CA7181084.

ClinVar aggregate classification (germline): Uncertain significance (1 of 4 stars; one submission).

Allele frequency attached by ClinVar (database versions not stated): ESP Exome Variant Server 0.00008; 1000 Genomes Project 30x 0.00016.
gnomAD v4.1: 162 of 1,612,056 alleles (0.01%); highest among the groups gnomAD compares: Admixed American, 0.025%; no homozygotes.

Submission:

Labcorp Genetics (formerly Invitae), Labcorp
Classification: Uncertain significance. Last evaluated: 2025-08-11. Review status: criteria provided, single submitter. Criteria: Invitae Variant Classification Sherloc (09022015). Collection method: clinical testing. Allele origin: germline.
Comment: This sequence change replaces proline, which is neutral and non-polar, with leucine, which is neutral and non-polar, at codon 1971 of the NIN protein (p.Pro1971Leu). This variant is present in population databases (rs200441923, gnomAD 0.03%). This variant has not been reported in the literature in individuals affected with NIN-related conditions. ClinVar contains an entry for this variant (Variation ID: 2083963). An algorithm developed to predict the effect of missense changes on protein structure and function (PolyPhen-2) suggests that this variant is likely to be disruptive. In summary, the available evidence is currently insufficient to determine the role of this variant in disease. Therefore, it has been classified as a Variant of Uncertain Significance.